The following is an entry in ClinVar:

NM_000179.3(MSH6):c.136G>C (p.Gly46Arg)

Gene: MSH6 (mutS homolog 6; plus strand). Cytogenetic location: 2p16.3.
Variant type: single nucleotide variant.
Coding change: c.136G>C on transcript NM_000179.3 (MANE Select); coding-DNA position 136, G replaced by C.
Protein change: p.Gly46Arg; replaces glycine 46 with arginine.
Molecular consequence: missense variant. On other transcripts: 5 prime UTR variant (1).
Genome position (GRCh38, 1-based): chr2:47,783,369, G>C. VCF-style: chr2-47783369-G-C. GRCh37 (hg19) VCF-style: chr2-48010508-G-C.
Other names: c.136G>C, p.Gly46Arg (NM_001281492.2); c.-601G>C (NM_001281493.2); short protein forms G46R.
Identifiers: ClinVar variation 216296 (VCV000216296.25), dbSNP rs863224616, ClinGen allele CA337552.

ClinVar aggregate classification (germline): Conflicting classifications of pathogenicity. Review status: criteria provided, conflicting classifications (1 of 4 stars). 10 submissions from 9 submitters: Uncertain significance (9); Likely benign (1). Last evaluated 2025-09-17.

Conditions:
Mismatch repair cancer syndrome 3. Identifiers: MedGen C5436807, MONDO:0030841, OMIM 619097.
Lynch syndrome 5 (LYNCH5). Also called: Hereditary non-polyposis colorectal cancer, type 5; Colorectal cancer, hereditary nonpolyposis, type 5. Identifiers: Orphanet 144, MedGen C1833477, MONDO:0013710, OMIM 614350. Disease mechanism: loss of function.
Endometrial carcinoma. Also called: Endometrial carcinoma, somatic. Identifiers: MedGen C0476089, MONDO:0002447, OMIM 608089, HP:0012114.
Hereditary nonpolyposis colorectal neoplasms. Identifiers: MedGen C0009405, MeSH D003123.
Hereditary cancer-predisposing syndrome. Also called: Hereditary Cancer Syndrome; Hereditary neoplastic syndrome; Neoplastic Syndromes, Hereditary; Tumor predisposition. Identifiers: Orphanet 140162, MedGen C0027672, MeSH D009386, MONDO:0015356.
Lynch syndrome. Identifiers: Orphanet 144, MedGen C4552100, MONDO:0005835. Disease mechanism: loss of function.
Mismatch repair cancer syndrome 1 (MMRCS1). Also called: BRAIN TUMOR-POLYPOSIS SYNDROME 1; BTP1 SYNDROME; CHILDHOOD CANCER SYNDROME; MISMATCH REPAIR DEFICIENCY; MMR DEFICIENCY. Identifiers: Orphanet 252202, MedGen C5399763, MONDO:0010159, OMIM 276300. Disease mechanism: loss of function.

Allele frequency attached by ClinVar (database versions not stated): gnomAD exomes below 0.00001.

Submissions (10):

Ambry Genetics
Classification: Uncertain significance for Hereditary cancer-predisposing syndrome. Last evaluated: 2025-09-17. Review status: criteria provided, single submitter. Criteria: Ambry Variant Classification Scheme 2023. Collection method: clinical testing. Allele origin: germline.
Comment: The p.G46R variant (also known as c.136G>C), located in coding exon 1 of the MSH6 gene, results from a G to C substitution at nucleotide position 136. The glycine at codon 46 is replaced by arginine, an amino acid with dissimilar properties. This amino acid position is not well conserved in available vertebrate species. In addition, this alteration is predicted to be tolerated by in silico analysis. Since supporting evidence is limited at this time, the clinical significance of this alteration remains unclear.

Color Diagnostics, LLC DBA Color Health
Classification: Uncertain significance for Hereditary cancer-predisposing syndrome. Last evaluated: 2025-06-04. Review status: criteria provided, single submitter. Criteria: ACMG Guidelines, 2015. Collection method: clinical testing. Allele origin: germline.
Comment: This missense variant replaces glycine with arginine at codon 46 of the MSH6 protein. Computational prediction suggests that this variant may not impact protein structure and function. To our knowledge, functional studies have not been reported for this variant. This variant has been reported in an individual with a personal and/or family history suspicious for Lynch syndrome (PMID: 22495361). This variant has been identified in 1/217728 chromosomes in the general population by the Genome Aggregation Database (gnomAD). The available evidence is insufficient to determine the role of this variant in disease conclusively. Therefore, this variant is classified as a Variant of Uncertain Significance.

Labcorp Genetics (formerly Invitae), Labcorp
Classification: Likely benign for Hereditary nonpolyposis colorectal neoplasms. Last evaluated: 2025-04-17. Review status: criteria provided, single submitter. Criteria: Invitae Variant Classification Sherloc (09022015). Collection method: clinical testing. Allele origin: germline.

Revvity Omics, Revvity
Classification: Uncertain significance. Last evaluated: 2025-02-05. Review status: criteria provided, single submitter. Criteria: ACMG Guidelines, 2015. Collection method: clinical testing. Allele origin: germline.

Fulgent Genetics
Classification: Uncertain significance for Endometrial carcinoma; Lynch syndrome 5; Mismatch repair cancer syndrome 3. Last evaluated: 2024-04-27. Review status: criteria provided, single submitter. Criteria: ACMG Guidelines, 2015. Collection method: clinical testing. Allele origin: germline.

Institute for Biomarker Research, Medical Diagnostic Laboratories, L.L.C.
Classification: Uncertain significance for Hereditary cancer-predisposing syndrome. Last evaluated: 2024-03-05. Review status: criteria provided, single submitter. Criteria: ACMG Guidelines, 2015. Collection method: clinical testing. Allele origin: germline.

Baylor Genetics
Classification: Uncertain significance for Endometrial carcinoma. Last evaluated: 2024-01-30. Review status: criteria provided, single submitter. Criteria: ACMG Guidelines, 2015. Collection method: clinical testing. Allele origin: unknown.

All of Us Research Program, National Institutes of Health
Classification: Uncertain significance for Lynch syndrome. Last evaluated: 2024-01-11. Review status: criteria provided, single submitter. Criteria: ACMG Guidelines, 2015. Collection method: clinical testing. Allele origin: germline. Inheritance: Autosomal dominant inheritance. Observed: 1 variant allele, 1 heterozygote.
Comment: This missense variant replaces glycine with arginine at codon 46 of the MSH6 protein. Computational prediction suggests that this variant may not impact protein structure and function (internally defined REVEL score threshold <= 0.5, PMID: 27666373). Splice site prediction tools suggest that this variant may not impact RNA splicing. To our knowledge, functional studies have not been performed for this variant. This variant has not been reported in individuals affected with hereditary cancer in the literature. This variant has been identified in 1/217728 chromosomes in the general population by the Genome Aggregation Database (gnomAD). The available evidence is insufficient to determine the role of this variant in disease conclusively. Therefore, this variant is classified as a Variant of Uncertain Significance.

This study involves interpretation of variants in research participants for the purpose of population health screening. Participant phenotype was not available at the time of variant classification. Additional details can be found in publication PMID: 35346344, PMCID: PMC8962531

Department of Pathology and Laboratory Medicine, Sinai Health System
Classification: Uncertain significance for Mismatch repair cancer syndrome 3. Last evaluated: 2021-10-28. Review status: criteria provided, single submitter. Criteria: ACMG Guidelines, 2015. Collection method: clinical testing. Allele origin: germline. Affected: yes.

Fulgent Genetics
Classification: Uncertain significance for Mismatch repair cancer syndrome 1; Endometrial carcinoma; Lynch syndrome 5. Last evaluated: 2018-10-31. Review status: criteria provided, single submitter. Criteria: ACMG Guidelines, 2015. Collection method: clinical testing. Allele origin: unknown.

Literature cited by the submitters: PubMed 22495361 (cited by 3 submitters); PubMed 30093976 (cited by Ambry Genetics and Department of Pathology and Laboratory Medicine, Sinai Health System).